The following is an entry in ClinVar:

NM_006073.4(TRDN):c.1805-7del

Gene: TRDN (triadin; minus strand). Cytogenetic location: 6q22.31.
Variant type: Deletion.
Coding change: c.1805-7del on transcript NM_006073.4 (MANE Select); 7 bases into the intron before coding-DNA position 1805, one base deleted (T; older notation c.1805-7delT).
Molecular consequence: intron variant.
Genome position (GRCh38, 1-based): chr6:123,260,645, A deleted on the plus strand (T on the coding strand, the reverse complement: TRDN is on the minus strand); the first of 15 consecutive A bases (chr6:123,260,645-123,260,659); deleting any one gives the same sequence. VCF-style (leftmost placement, unchanged base first): chr6-123260644-GA-G. GRCh37 (hg19) VCF-style: chr6-123581789-GA-G.
Other names: p.?; c.1805-7delT (NM_006073.4).
Identifiers: ClinVar variation 3251792 (VCV003251792.2), dbSNP rs11373802.
Genomic context (GRCh38, chr6:123,260,644, plus strand): 5'-TATCTCCTCTGAAAAAGTAAATATTTACCTGATTCTGTGACTTCTGATGTTCCTTCTTTA[GA>G]AAAAAAAAAAAAAAGAATGTAGAAAGAAAGGAAAAAAAATAAAAAGAAAAAGTATAGTTT-3'

ClinVar aggregate classification (germline): Benign/Likely benign. Review status: criteria provided, multiple submitters, no conflicts (2 of 4 stars). 2 submissions from 2 submitters: Benign (1); Likely benign (1). Last evaluated 2024-12-05.

Submissions (2):

Mayo Clinic Laboratories, Mayo Clinic
Classification: Likely benign. Last evaluated: 2024-12-05. Review status: criteria provided, single submitter. Criteria: ACMG Guidelines, 2015. Collection method: clinical testing. Allele origin: germline. Observed: 16 variant alleles.

Women's Health and Genetics/Laboratory Corporation of America, LabCorp
Classification: Benign. Last evaluated: 2024-04-23. Review status: criteria provided, single submitter. Criteria: LabCorp Variant Classification Summary - May 2015. Collection method: clinical testing. Allele origin: germline.
Comment: Variant summary: TRDN c.1805-7delT alters a conserved nucleotide located close to a canonical splice site and therefore could affect mRNA splicing, leading to a significantly altered protein sequence. Consensus agreement among computation tools predict no significant impact on normal splicing. However, these predictions have yet to be confirmed by functional studies. The variant allele was found at a frequency of 0.019 in 65188 control chromosomes, predominantly at a frequency of 0.023 within the Non-Finnish European subpopulation in the gnomAD database. The observed variant frequency within Non-Finnish European control individuals in the gnomAD database is approximately 15 fold of the estimated maximal expected allele frequency for a pathogenic variant in TRDN causing Catecholaminergic Polymorphic Ventricular Tachycardia phenotype (0.0016), strongly suggesting that the variant is a benign polymorphism found primarily in populations of Non-Finnish European origin. To our knowledge, no occurrence of c.1805-7delT in individuals affected with Catecholaminergic Polymorphic Ventricular Tachycardia and no experimental evidence demonstrating its impact on protein function have been reported. No submitters have cited clinical-significance assessments for this variant to ClinVar. Based on the evidence outlined above, the variant was classified as benign.